The following is an entry in ClinVar:

ClinVar aggregate classification (germline): Uncertain significance. Review status: criteria provided, multiple submitters, no conflicts (2 of 4 stars). 2 submissions from 2 submitters: Uncertain significance (2). Last evaluated 2024-12-14.

Conditions:
Inborn genetic diseases. Identifiers: MedGen C0950123, MeSH D030342.

Allele frequency attached by ClinVar (database versions not stated): TOPMed 0.00001.

Submissions (2):

Ambry Genetics
Classification: Uncertain significance for Inborn genetic diseases. Last evaluated: 2024-12-14. Review status: criteria provided, single submitter. Criteria: Ambry Variant Classification Scheme 2023. Collection method: clinical testing. Allele origin: germline.
Comment: The p.E578K variant (also known as c.1732G>A), located in coding exon 8 of the MECOM gene, results from a G to A substitution at nucleotide position 1732. The glutamic acid at codon 578 is replaced by lysine, an amino acid with similar properties. This amino acid position is conserved. In addition, this alteration is predicted to be tolerated by in silico analysis. Based on the available evidence, the clinical significance of this variant remains unclear.

Labcorp Genetics (formerly Invitae), Labcorp
Classification: Uncertain significance. Last evaluated: 2023-12-09. Review status: criteria provided, single submitter. Criteria: Invitae Variant Classification Sherloc (09022015). Collection method: clinical testing. Allele origin: germline.
Comment: This sequence change replaces glutamic acid, which is acidic and polar, with lysine, which is basic and polar, at codon 390 of the MECOM protein (p.Glu390Lys). This variant is not present in population databases (gnomAD no frequency). This variant has not been reported in the literature in individuals affected with MECOM-related conditions. An algorithm developed to predict the effect of missense changes on protein structure and function (PolyPhen-2) suggests that this variant is likely to be disruptive. In summary, the available evidence is currently insufficient to determine the role of this variant in disease. Therefore, it has been classified as a Variant of Uncertain Significance.

NM_004991.4(MECOM):c.1732G>A (p.Glu578Lys)

Gene: MECOM (MDS1 and EVI1 complex locus; minus strand). Cytogenetic location: 3q26.2.
Variant type: single nucleotide variant.
Coding change: c.1732G>A on transcript NM_004991.4 (MANE Select); coding-DNA position 1732, G replaced by A.
Protein change: p.Glu578Lys; replaces glutamic acid 578 with lysine.
Molecular consequence: missense variant. On other transcripts: intron variant (2).
Genome position (GRCh38, 1-based): chr3:169,116,140, C>T on the plus strand (G>A on the coding strand, the complement: MECOM is on the minus strand). VCF-style: chr3-169116140-C-T. GRCh37 (hg19) VCF-style: chr3-168833928-C-T.
Other names: c.1363G>A, p.Glu455Lys (NM_001105077.4); c.1168G>A, p.Glu390Lys (NM_001105078.4, NM_001164000.2, NM_001205194.2 and 4 more transcripts); c.1171G>A, p.Glu391Lys (NM_001163999.2, NM_001366467.2, NM_001366468.2 and 1 more transcripts); c.1732G>A, p.Glu578Lys (NM_001366466.2); c.1133-373G>A (NM_001366473.2); c.569-373G>A (NM_001366474.2); c.1732G>A (NM_004991.3); short protein forms E391K, E578K, E390K, E455K.
Identifiers: ClinVar variation 2701582 (VCV002701582.4), dbSNP rs1167833139, ClinGen allele CA355061468.